The following is an entry in ClinVar:

NM_006206.6(PDGFRA):c.2268C>A (p.Asp756Glu)

Gene: PDGFRA (platelet derived growth factor receptor alpha; plus strand). Cytogenetic location: 4q12.
Variant type: single nucleotide variant.
Coding change: c.2268C>A on transcript NM_006206.6 (MANE Select); coding-DNA position 2268, C replaced by A.
Protein change: p.Asp756Glu; replaces aspartic acid 756 with glutamic acid.
Molecular consequence: missense variant.
Genome position (GRCh38, 1-based): chr4:54,280,427, C>A. VCF-style: chr4-54280427-C-A. GRCh37 (hg19) VCF-style: chr4-55146594-C-A.
Other names: c.2268C>A, p.Asp756Glu (NM_001347827.2, NM_001347829.2); c.2343C>A, p.Asp781Glu (NM_001347828.2); c.2307C>A, p.Asp769Glu (NM_001347830.2); short protein forms D756E, D781E, D769E.
Identifiers: ClinVar variation 4133995 (VCV004133995.1).

ClinVar aggregate classification (germline): Uncertain significance (1 of 4 stars; one submission).

Conditions:
Hereditary cancer-predisposing syndrome. Also called: Hereditary neoplastic syndrome; Neoplastic Syndromes, Hereditary; Tumor predisposition; Hereditary Cancer Syndrome. Identifiers: Orphanet 140162, MedGen C0027672, MeSH D009386, MONDO:0015356.

Submission:

Ambry Genetics
Classification: Uncertain significance for Hereditary cancer-predisposing syndrome. Last evaluated: 2025-07-19. Review status: criteria provided, single submitter. Criteria: Ambry Variant Classification Scheme 2023. Collection method: clinical testing. Allele origin: germline.
Comment: The p.D756E variant (also known as c.2268C>A), located in coding exon 15 of the PDGFRA gene, results from a C to A substitution at nucleotide position 2268. The aspartic acid at codon 756 is replaced by glutamic acid, an amino acid with highly similar properties. This amino acid position is conserved. In addition, the in silico prediction for this alteration is inconclusive. Based on the available evidence, the clinical significance of this variant remains unclear.